The following is an entry in ClinVar:

ClinVar aggregate classification (germline): Likely benign (0 of 4 stars; one submission).

Conditions:
MTOR-related disorder. Also called: MTOR-related condition.

Submission:

PreventionGenetics, part of Exact Sciences
Classification: Likely benign for MTOR-related condition. Last evaluated: 2023-04-21. Review status: no assertion criteria provided. Collection method: clinical testing. Allele origin: germline.
Comment: This variant is classified as likely benign based on ACMG/AMP sequence variant interpretation guidelines (Richards et al. 2015 PMID: 25741868, with internal and published modifications).

NM_004958.4(MTOR):c.2002+10G>T

Gene: MTOR (mechanistic target of rapamycin kinase; minus strand). Cytogenetic location: 1p36.22.
Variant type: single nucleotide variant.
Coding change: c.2002+10G>T on transcript NM_004958.4 (MANE Select); 10 bases into the intron after coding-DNA position 2002, G replaced by T.
Molecular consequence: intron variant.
Genome position (GRCh38, 1-based): chr1:11,238,392, C>A on the plus strand (G>T on the coding strand, the complement: MTOR is on the minus strand). VCF-style: chr1-11238392-C-A. GRCh37 (hg19) VCF-style: chr1-11298449-C-A.
Other names: c.754+10G>T (NM_001386501.1); c.2002+10G>T (NM_001386500.1).
Identifiers: ClinVar variation 3055091 (VCV003055091.2), dbSNP rs1429154827, ClinGen allele CA2740090590.